The following is an entry in ClinVar:

NM_001377334.1(PIK3C2B):c.3758G>T (p.Arg1253Leu)

Gene: PIK3C2B (phosphatidylinositol-4-phosphate 3-kinase catalytic subunit type 2 beta; minus strand). Cytogenetic location: 1q32.1.
Variant type: single nucleotide variant.
Coding change: c.3758G>T on transcript NM_001377334.1 (MANE Select); coding-DNA position 3758, G replaced by T.
Protein change: p.Arg1253Leu; replaces arginine 1253 with leucine.
Molecular consequence: missense variant.
Genome position (GRCh38, 1-based): chr1:204,433,878, C>A on the plus strand (G>T on the coding strand, the complement: PIK3C2B is on the minus strand). VCF-style: chr1-204433878-C-A. GRCh37 (hg19) VCF-style: chr1-204403006-C-A.
Other names: c.3674G>T, p.Arg1225Leu (NM_001377335.1); c.3758G>T, p.Arg1253Leu (NM_002646.4); short protein forms R1225L, R1253L.
Identifiers: ClinVar variation 3728341 (VCV003728341.2).

ClinVar aggregate classification (germline): Uncertain significance (1 of 4 stars; one submission).

Submission:

Labcorp Genetics (formerly Invitae), Labcorp
Classification: Uncertain significance. Last evaluated: 2025-01-02. Review status: criteria provided, single submitter. Criteria: Invitae Variant Classification Sherloc (09022015). Collection method: clinical testing. Allele origin: germline.
Comment: This sequence change replaces arginine, which is basic and polar, with leucine, which is neutral and non-polar, at codon 1253 of the PIK3C2B protein (p.Arg1253Leu). This variant is not present in population databases (gnomAD no frequency). This variant has not been reported in the literature in individuals affected with PIK3C2B-related conditions. An algorithm developed to predict the effect of missense changes on protein structure and function (PolyPhen-2) suggests that this variant is likely to be disruptive. In summary, the available evidence is currently insufficient to determine the role of this variant in disease. Therefore, it has been classified as a Variant of Uncertain Significance.